The following is an entry in ClinVar:

ClinVar aggregate classification (germline): Likely pathogenic (1 of 4 stars; one submission).

Conditions:
Argininosuccinate lyase deficiency. Also called: ARGININOSUCCINIC ACID LYASE DEFICIENCY; ASL DEFICIENCY; Argininosuccinic aciduria. Identifiers: Orphanet 23, MedGen C0268547, MONDO:0008815, OMIM 207900, HP:0025630.

Allele frequency attached by ClinVar (database versions not stated): gnomAD exomes below 0.00001.
gnomAD v4.1: 4 of 1,611,310 alleles (0.00025%); highest among the groups gnomAD compares: African/African-American, 0.0013%; no homozygotes.

Submission:

Labcorp Genetics (formerly Invitae), Labcorp
Classification: Likely pathogenic for Argininosuccinate lyase deficiency. Last evaluated: 2023-12-04. Review status: criteria provided, single submitter. Criteria: Invitae Variant Classification Sherloc (09022015). Collection method: clinical testing. Allele origin: germline.
Comment: This sequence change affects a donor splice site in intron 15 of the ASL gene. It is expected to disrupt RNA splicing. Variants that disrupt the donor or acceptor splice site typically lead to a loss of protein function (PMID: 16199547), and loss-of-function variants in ASL are known to be pathogenic (PMID: 2263616, 24166829). This variant is not present in population databases (gnomAD no frequency). Disruption of this splice site has been observed in individual(s) with ASL-related conditions (PMID: 24166829). Algorithms developed to predict the effect of sequence changes on RNA splicing suggest that this variant may disrupt the consensus splice site. In summary, the currently available evidence indicates that the variant is pathogenic, but additional data are needed to prove that conclusively. Therefore, this variant has been classified as Likely Pathogenic.

Literature cited by the submitters: PubMed 16199547; PubMed 2263616; PubMed 24166829.

NM_000048.4(ASL):c.1143+1G>A

Gene: ASL (argininosuccinate lyase; plus strand). Cytogenetic location: 7q11.21.
Variant type: single nucleotide variant.
Coding change: c.1143+1G>A on transcript NM_000048.4 (MANE Select); the canonical splice donor site of the intron after coding-DNA position 1143, G replaced by A.
Molecular consequence: splice donor variant.
Genome position (GRCh38, 1-based): chr7:66,092,087, G>A. VCF-style: chr7-66092087-G-A. GRCh37 (hg19) VCF-style: chr7-65557074-G-A.
Other names: c.1143+1G>A (NM_001024943.2); c.1083+1G>A (NM_001024944.2); c.1065+1G>A (NM_001024946.2).
Identifiers: ClinVar variation 2700883 (VCV002700883.3), dbSNP rs2485028634, ClinGen allele CA367650669.